The following is an entry in ClinVar:

NM_004766.3(COPB2):c.228G>A (p.Ala76=)

Gene: COPB2 (coat protein complex I subunit beta 2; minus strand). Cytogenetic location: 3q23.
Variant type: single nucleotide variant.
Coding change: c.228G>A on transcript NM_004766.3 (MANE Select); coding-DNA position 228, G replaced by A.
Protein change: p.Ala76=; no amino-acid change (alanine 76 retained).
Molecular consequence: synonymous variant. On other transcripts: non-coding transcript variant (1).
Genome position (GRCh38, 1-based): chr3:139,379,380, C>T on the plus strand (G>A on the coding strand, the complement: COPB2 is on the minus strand). VCF-style: chr3-139379380-C-T. GRCh37 (hg19) VCF-style: chr3-139098222-C-T.
Other names: c.141G>A, p.Ala47= (NM_001410834.1).
Identifiers: ClinVar variation 2882597 (VCV002882597.5), dbSNP rs375068768, ClinGen allele CA2641583.
Genomic context (GRCh38, chr3:139,379,380, plus strand): 5'-ATTTACACAATCATTGACCAATTCAGAAAATGGGAATAGAGATTCATATTAATTACTTAC[C>T]GCTCCTGTCACAACCCAATTCTTCCTTGCAACAAACTTTGCAGCTCGAACAGGAAGATCA-3'
Protein context (NP_004757.1, residues 66-86): VARKNWVVTG[Ala76=]DDMQIRVFNY

ClinVar aggregate classification (germline): Conflicting classifications of pathogenicity. Review status: criteria provided, conflicting classifications (1 of 4 stars). 2 submissions from 2 submitters: Uncertain significance (1); Likely benign (1). Last evaluated 2026-05-01.

Allele frequency attached by ClinVar (database versions not stated): ExAC 0.00002; gnomAD 0.00002; TOPMed 0.00003.
gnomAD v4.1: 39 of 1,613,370 alleles (0.0024%); highest among the groups gnomAD compares: Admixed American, 0.0083%; no homozygotes.

Submissions (2):

CeGaT Center for Human Genetics Tuebingen
Classification: Likely benign. Last evaluated: 2026-05-01. Review status: criteria provided, single submitter. Criteria: CeGaT Center For Human Genetics Tuebingen Variant Classification Criteria Version 2. Collection method: clinical testing. Allele origin: germline. Affected: yes. Observed: 1 variant allele.
Comment: COPB2: BP4, BP7

Labcorp Genetics (formerly Invitae), Labcorp
Classification: Uncertain significance. Last evaluated: 2023-04-11. Review status: criteria provided, single submitter. Criteria: Invitae Variant Classification Sherloc (09022015). Collection method: clinical testing. Allele origin: germline.
Comment: This sequence change affects codon 76 of the COPB2 mRNA. It is a 'silent' change, meaning that it does not change the encoded amino acid sequence of the COPB2 protein. This variant also falls at the last nucleotide of exon 3, which is part of the consensus splice site for this exon. This variant is present in population databases (rs375068768, gnomAD 0.009%). This variant has not been reported in the literature in individuals affected with COPB2-related conditions. Variants that disrupt the consensus splice site are a relatively common cause of aberrant splicing (PMID: 17576681, 9536098). Algorithms developed to predict the effect of sequence changes on RNA splicing suggest that this variant is not likely to affect RNA splicing. In summary, the available evidence is currently insufficient to determine the role of this variant in disease. Therefore, it has been classified as a Variant of Uncertain Significance.

Literature cited by the submitters: PubMed 17576681 (cited by Labcorp Genetics (formerly Invitae), Labcorp); PubMed 9536098 (cited by Labcorp Genetics (formerly Invitae), Labcorp).